The following is an entry in ClinVar:

NM_000709.4(BCKDHA):c.371G>A (p.Arg124Gln)

Gene: BCKDHA (branched chain keto acid dehydrogenase E1 subunit alpha; plus strand). Cytogenetic location: 19q13.2.
Variant type: single nucleotide variant.
Coding change: c.371G>A on transcript NM_000709.4 (MANE Select); coding-DNA position 371, G replaced by A.
Protein change: p.Arg124Gln; replaces arginine 124 with glutamine.
Molecular consequence: missense variant.
Genome position (GRCh38, 1-based): chr19:41,411,005, G>A. VCF-style: chr19-41411005-G-A. GRCh37 (hg19) VCF-style: chr19-41916910-G-A.
Other names: c.371G>A, p.Arg124Gln (NM_001164783.2); short protein forms R124Q.
Identifiers: ClinVar variation 1484977 (VCV001484977.7), dbSNP rs752700457, ClinGen allele CA9461097.

ClinVar aggregate classification (germline): Likely pathogenic (1 of 4 stars; one submission).

Conditions:
Maple syrup urine disease (MSUD). Identifiers: Orphanet 511, MedGen C0024776, MeSH D008375, MONDO:0009563. Disease mechanism: loss of function.

Allele frequency attached by ClinVar (database versions not stated): ExAC 0.00001; gnomAD 0.00001; gnomAD exomes 0.00001.
gnomAD v4.1: 12 of 1,613,908 alleles (0.00074%); highest among the groups gnomAD compares: South Asian, 0.0011%; no homozygotes.

Submission:

Labcorp Genetics (formerly Invitae), Labcorp
Classification: Likely pathogenic for Maple syrup urine disease. Last evaluated: 2025-04-21. Review status: criteria provided, single submitter. Criteria: Invitae Variant Classification Sherloc (09022015). Collection method: clinical testing. Allele origin: germline.
Comment: This sequence change replaces arginine, which is basic and polar, with glutamine, which is neutral and polar, at codon 124 of the BCKDHA protein (p.Arg124Gln). This variant is present in population databases (rs752700457, gnomAD 0.002%). This variant has not been reported in the literature in individuals affected with BCKDHA-related conditions. ClinVar contains an entry for this variant (Variation ID: 1484977). Invitae Evidence Modeling of protein sequence and biophysical properties (such as structural, functional, and spatial information, amino acid conservation, physicochemical variation, residue mobility, and thermodynamic stability) indicates that this missense variant is expected to disrupt BCKDHA protein function with a positive predictive value of 95%. This variant disrupts the p.Arg124 amino acid residue in BCKDHA. Other variant(s) that disrupt this residue have been determined to be pathogenic (PMID: 31980395). This suggests that this residue is clinically significant, and that variants that disrupt this residue are likely to be disease-causing. In summary, the currently available evidence indicates that the variant is pathogenic, but additional data are needed to prove that conclusively. Therefore, this variant has been classified as Likely Pathogenic.

Literature cited by the submitters: PubMed 31980395.